The following is an entry in ClinVar:

NM_020975.6(RET):c.1824C>A (p.Thr608=)

Gene: RET (ret proto-oncogene; plus strand). Cytogenetic location: 10q11.21.
Variant type: single nucleotide variant.
Coding change: c.1824C>A on transcript NM_020975.6 (MANE Select); coding-DNA position 1824, C replaced by A.
Protein change: p.Thr608=; no amino-acid change (threonine 608 retained).
Molecular consequence: synonymous variant. On other transcripts: intron variant (2).
Genome position (GRCh38, 1-based): chr10:43,113,620, C>A. VCF-style: chr10-43113620-C-A. GRCh37 (hg19) VCF-style: chr10-43609068-C-A.
Other names: c.1824C>A, p.Thr608= (NM_000323.2, NM_001406743.1, NM_001406744.1 and 6 more transcripts); c.1062C>A, p.Thr354= (NM_001355216.2); c.1695C>A, p.Thr565= (NM_001406761.1, NM_001406762.1, NM_001406764.1 and 1 more transcripts); c.1536C>A, p.Thr512= (NM_001406766.1, NM_001406767.1, NM_001406770.1); c.1428C>A, p.Thr476= (NM_001406769.1, NM_001406772.1); c.1386C>A, p.Thr462= (NM_001406771.1, NM_001406773.1); c.1299C>A, p.Thr433= (NM_001406774.1); c.1098C>A, p.Thr366= (NM_001406775.1, NM_001406776.1, NM_001406777.1 and 1 more transcripts); and 7 more.
Identifiers: ClinVar variation 2561474 (VCV002561474.6), dbSNP rs776346079, ClinGen allele CA035759.

ClinVar aggregate classification (germline): Benign/Likely benign. Review status: criteria provided, multiple submitters, no conflicts (2 of 4 stars). 3 submissions from 3 submitters: Benign (1); Likely benign (2). Last evaluated 2025-02-26.

Conditions:
Multiple endocrine neoplasia type 2A. Also called: Multiple Endocrine Neoplasia Type 2A (MEN2A); MULTIPLE ENDOCRINE NEOPLASIA, TYPE IIA; PTC SYNDROME; SIPPLE SYNDROME; MEN 2A; MEN-2A syndrome. Identifiers: Orphanet 247698, Orphanet 653, MedGen C0025268, MeSH D018813, MONDO:0008234, OMIM 171400.
Hereditary cancer-predisposing syndrome. Also called: Neoplastic Syndromes, Hereditary; Hereditary Cancer Syndrome; Hereditary neoplastic syndrome; Tumor predisposition. Identifiers: Orphanet 140162, MedGen C0027672, MeSH D009386, MONDO:0015356.
Multiple endocrine neoplasia, type 2 (MEN2). Identifiers: Orphanet 653, MedGen C4048306, MONDO:0019003. Disease mechanism: gain of function.

Allele frequency attached by ClinVar (database versions not stated): ExAC 0.00001.

Submissions (3):

Myriad Genetics, Inc.
Classification: Benign for Multiple endocrine neoplasia type 2A. Last evaluated: 2025-02-26. Review status: criteria provided, single submitter. Criteria: Myriad Autosomal Dominant, Autosomal Recessive and X-Linked Classification Criteria (2023). Collection method: clinical testing. Allele origin: unknown.
Comment: This variant is considered benign. This variant is a silent/synonymous amino acid change and it is not expected to impact splicing.

Labcorp Genetics (formerly Invitae), Labcorp
Classification: Likely benign for Multiple endocrine neoplasia, type 2. Last evaluated: 2024-04-22. Review status: criteria provided, single submitter. Criteria: Invitae Variant Classification Sherloc (09022015). Collection method: clinical testing. Allele origin: germline.

Ambry Genetics
Classification: Likely benign for Hereditary cancer-predisposing syndrome. Last evaluated: 2023-05-14. Review status: criteria provided, single submitter. Criteria: Ambry Variant Classification Scheme 2023. Collection method: clinical testing. Allele origin: germline.